The following is an entry in ClinVar:

ClinVar aggregate classification (germline): Likely benign (1 of 4 stars; one submission).

Submission:

Women's Health and Genetics/Laboratory Corporation of America, LabCorp
Classification: Likely benign. Last evaluated: 2025-09-04. Review status: criteria provided, single submitter. Criteria: LabCorp Variant Classification Summary - May 2015. Collection method: clinical testing. Allele origin: germline.
Comment: Variant summary: HTRA1 c.175C>A alters a non-conserved nucleotide resulting in a synonymous change. Consensus agreement among computation tools predict no significant impact on normal splicing. However, these predictions have yet to be confirmed by functional studies. The variant was absent in 26002 control chromosomes. The available data on variant occurrences in the general population are insufficient to allow any conclusion about variant significance. To our knowledge, no occurrence of c.175C>A in individuals affected with HTRA1-related conditions and no experimental evidence demonstrating its impact on protein function have been reported. No submitters have cited clinical-significance assessments for this variant to ClinVar. Based on the evidence outlined above, the variant was classified as likely benign.

NM_002775.5(HTRA1):c.175C>A (p.Arg59=)

Gene: HTRA1 (HtrA serine peptidase 1; plus strand). Cytogenetic location: 10q26.13.
Variant type: single nucleotide variant.
Coding change: c.175C>A on transcript NM_002775.5 (MANE Select); coding-DNA position 175, C replaced by A.
Protein change: p.Arg59=; no amino-acid change (arginine 59 retained).
Molecular consequence: synonymous variant.
Genome position (GRCh38, 1-based): chr10:122,461,827, C>A. VCF-style: chr10-122461827-C-A. GRCh37 (hg19) VCF-style: chr10-124221343-C-A.
Identifiers: ClinVar variation 4535813 (VCV004535813.1).